The following is an entry in ClinVar:

NM_006432.5(NPC2):c.202A>G (p.Lys68Glu)

Gene: NPC2 (NPC intracellular cholesterol transporter 2; minus strand). Cytogenetic location: 14q24.3.
Variant type: single nucleotide variant.
Coding change: c.202A>G on transcript NM_006432.5 (MANE Select); coding-DNA position 202, A replaced by G.
Protein change: p.Lys68Glu; replaces lysine 68 with glutamic acid.
Molecular consequence: missense variant.
Genome position (GRCh38, 1-based): chr14:74,484,576, T>C on the plus strand (A>G on the coding strand, the complement: NPC2 is on the minus strand). VCF-style: chr14-74484576-T-C. GRCh37 (hg19) VCF-style: chr14-74951279-T-C.
Other names: c.202A>G, p.Lys68Glu (NM_001363688.1, NM_001375440.1); short protein forms K68E.
Identifiers: ClinVar variation 1471690 (VCV001471690.5), dbSNP rs750426509, ClinGen allele CA390532585.

ClinVar aggregate classification (germline): Uncertain significance (1 of 4 stars; one submission).

Conditions:
Niemann-Pick disease, type C2 (NPC2). Identifiers: Orphanet 646, MedGen C1843366, MONDO:0011873, OMIM 607625.

Submission:

Labcorp Genetics (formerly Invitae), Labcorp
Classification: Uncertain significance for Niemann-Pick disease, type C2. Last evaluated: 2021-08-30. Review status: criteria provided, single submitter. Criteria: Invitae Variant Classification Sherloc (09022015). Collection method: clinical testing. Allele origin: germline.
Comment: This sequence change replaces lysine with glutamic acid at codon 68 of the NPC2 protein (p.Lys68Glu). The lysine residue is weakly conserved and there is a small physicochemical difference between lysine and glutamic acid. This variant is not present in population databases (ExAC no frequency). This variant has not been reported in the literature in individuals affected with NPC2-related conditions. Algorithms developed to predict the effect of missense changes on protein structure and function output the following: SIFT: "Tolerated"; PolyPhen-2: "Benign"; Align-GVGD: "Class C0". The glutamic acid amino acid residue is found in multiple mammalian species, which suggests that this missense change does not adversely affect protein function. In summary, the available evidence is currently insufficient to determine the role of this variant in disease. Therefore, it has been classified as a Variant of Uncertain Significance.